The following is an entry in ClinVar:

ClinVar aggregate classification (germline): Uncertain significance (1 of 4 stars; one submission).

gnomAD v4.1: 1 of 1,600,316 alleles (0.000062%); highest among the groups gnomAD compares: Non-Finnish European, 0.000085%; no homozygotes.

Submission:

GeneDx
Classification: Uncertain significance. Last evaluated: 2019-10-22. Review status: criteria provided, single submitter. Criteria: GeneDx Variant Classification Process June 2021. Collection method: clinical testing. Allele origin: germline. Affected: yes.
Comment: Not observed in large population cohorts (Lek et al., 2016); In silico analysis, which includes protein predictors and evolutionary conservation, supports that this variant does not alter protein structure/function; Has not been previously published as pathogenic or benign to our knowledge

NM_002972.4(SBF1):c.2827A>G (p.Thr943Ala)

Gene: SBF1 (SET binding factor 1; minus strand). Cytogenetic location: 22q13.33.
Variant type: single nucleotide variant.
Coding change: c.2827A>G on transcript NM_002972.4 (MANE Select); coding-DNA position 2827, A replaced by G.
Protein change: p.Thr943Ala; replaces threonine 943 with alanine.
Molecular consequence: missense variant.
Genome position (GRCh38, 1-based): chr22:50,461,535, T>C on the plus strand (A>G on the coding strand, the complement: SBF1 is on the minus strand). VCF-style: chr22-50461535-T-C. GRCh37 (hg19) VCF-style: chr22-50899964-T-C.
Other names: c.2830A>G, p.Thr944Ala (NM_001365819.1); short protein forms T943A, T944A.
Identifiers: ClinVar variation 1304663 (VCV001304663.2), dbSNP rs2148588717, ClinGen allele CA412208269.